The following is an entry in ClinVar:

NM_005535.3(IL12RB1):c.176G>A (p.Arg59His)

Gene: IL12RB1 (interleukin 12 receptor subunit beta 1; minus strand). Cytogenetic location: 19p13.11.
Variant type: single nucleotide variant.
Coding change: c.176G>A on transcript NM_005535.3 (MANE Select); coding-DNA position 176, G replaced by A.
Protein change: p.Arg59His; replaces arginine 59 with histidine.
Molecular consequence: missense variant.
Genome position (GRCh38, 1-based): chr19:18,082,213, C>T on the plus strand (G>A on the coding strand, the complement: IL12RB1 is on the minus strand). VCF-style: chr19-18082213-C-T. GRCh37 (hg19) VCF-style: chr19-18193023-C-T.
Other names: c.176G>A, p.Arg59His (NM_001290023.2, NM_153701.3); c.296G>A, p.Arg99His (NM_001290024.2); short protein forms R59H, R99H.
Identifiers: ClinVar variation 640526 (VCV000640526.8), dbSNP rs142273743, ClinGen allele CA9305313.
Genomic context (GRCh38, chr19:18,082,213, plus strand): 5'-CACCGCAGGAAGTGGCTGACCCCAGCTGTGGGACCCTCATACTGCCAGGAGCACTCGTAA[C>T]GATCACTGGATATCCGATAGCATCTCAGGTCCCTAGGGCCCGAGGCCGAGCCTGGAAGAG-3'
Protein context (NP_005526.1, residues 49-69): DLRCYRISSD[Arg59His]YECSWQYEGP

ClinVar aggregate classification (germline): Uncertain significance (1 of 4 stars; one submission).

Conditions:
Mendelian susceptibility to mycobacterial diseases due to complete IL12RB1 deficiency. Also called: Immunodeficiency 30; IL12RB1 DEFICIENCY. Identifiers: Orphanet 319552, MedGen C4013949, MONDO:0013955, OMIM 614891.

Allele frequency attached by ClinVar (database versions not stated): gnomAD 0.00005 and 0.00006; gnomAD exomes 0.00008 and 0.00005; ESP Exome Variant Server 0.00015; ExAC 0.00005; TOPMed 0.00006.
gnomAD v4.1: 131 of 1,613,768 alleles (0.0081%); highest among the groups gnomAD compares: Middle Eastern, 0.033%; no homozygotes.

Submission:

Labcorp Genetics (formerly Invitae), Labcorp
Classification: Uncertain significance for Mendelian susceptibility to mycobacterial diseases due to complete IL12RB1 deficiency. Last evaluated: 2022-08-09. Review status: criteria provided, single submitter. Criteria: Invitae Variant Classification Sherloc (09022015). Collection method: clinical testing. Allele origin: germline.
Comment: This sequence change replaces arginine, which is basic and polar, with histidine, which is basic and polar, at codon 59 of the IL12RB1 protein (p.Arg59His). This variant is present in population databases (rs142273743, gnomAD 0.008%). This variant has not been reported in the literature in individuals affected with IL12RB1-related conditions. ClinVar contains an entry for this variant (Variation ID: 640526). Algorithms developed to predict the effect of missense changes on protein structure and function output the following: SIFT: "Tolerated"; PolyPhen-2: "Benign"; Align-GVGD: "Class C0". The histidine amino acid residue is found in multiple mammalian species, which suggests that this missense change does not adversely affect protein function. In summary, the available evidence is currently insufficient to determine the role of this variant in disease. Therefore, it has been classified as a Variant of Uncertain Significance.